The following is an entry in ClinVar:

ClinVar aggregate classification (germline): Uncertain significance (1 of 4 stars; one submission).

Allele frequency attached by ClinVar (database versions not stated): gnomAD exomes below 0.00001 and 0.00001.
gnomAD v4.1: 1 of 1,613,358 alleles (0.000062%); highest among the groups gnomAD compares: Non-Finnish European, 0.000085%; no homozygotes.

Submission:

Labcorp Genetics (formerly Invitae), Labcorp
Classification: Uncertain significance. Last evaluated: 2021-09-01. Review status: criteria provided, single submitter. Criteria: Invitae Variant Classification Sherloc (09022015). Collection method: clinical testing. Allele origin: germline.
Comment: This sequence change replaces proline with leucine at codon 718 of the CARMIL2 protein (p.Pro718Leu). The proline residue is moderately conserved and there is a moderate physicochemical difference between proline and leucine. This variant is not present in population databases (ExAC no frequency). This variant has not been reported in the literature in individuals affected with CARMIL2-related conditions. Algorithms developed to predict the effect of missense changes on protein structure and function are either unavailable or do not agree on the potential impact of this missense change (SIFT: "Deleterious"; PolyPhen-2: "Benign"; Align-GVGD: "Class C0"). In summary, the available evidence is currently insufficient to determine the role of this variant in disease. Therefore, it has been classified as a Variant of Uncertain Significance.

NM_001013838.3(CARMIL2):c.2153C>T (p.Pro718Leu)

Gene: CARMIL2 (capping protein regulator and myosin 1 linker 2; plus strand). Cytogenetic location: 16q22.1.
Variant type: single nucleotide variant.
Coding change: c.2153C>T on transcript NM_001013838.3 (MANE Select); coding-DNA position 2153, C replaced by T.
Protein change: p.Pro718Leu; replaces proline 718 with leucine.
Molecular consequence: missense variant.
Genome position (GRCh38, 1-based): chr16:67,650,119, C>T. VCF-style: chr16-67650119-C-T. GRCh37 (hg19) VCF-style: chr16-67684022-C-T.
Other names: c.2045C>T, p.Pro682Leu (NM_001317026.3); short protein forms P682L, P718L.
Identifiers: ClinVar variation 1063740 (VCV001063740.6), dbSNP rs1166603976, ClinGen allele CA396340354.
Genomic context (GRCh38, chr16:67,650,119, plus strand): 5'-GTCTCTTGAGGAACAACCGCGCAGACCCTGCCTCTTCTGACCACACGACCCGCCTTCAGC[C>T]ACTTGGTCTGGTCTCAGACCCCTCAGAGCAGGTCAATGTCCCCTCCCCAACCACGAGAGG-3'
Protein context (NP_001013860.1, residues 708-728): ASSDHTTRLQ[Pro718Leu]LGLVSDPSEQ